The following is an entry in ClinVar:

NM_017763.6(RNF43):c.122C>T (p.Ser41Leu)

Gene: RNF43 (ring finger protein 43; minus strand). Cytogenetic location: 17q22.
Variant type: single nucleotide variant.
Coding change: c.122C>T on transcript NM_017763.6 (MANE Select); coding-DNA position 122, C replaced by T.
Protein change: p.Ser41Leu; replaces serine 41 with leucine.
Molecular consequence: missense variant.
Genome position (GRCh38, 1-based): chr17:58,415,456, G>A on the plus strand (C>T on the coding strand, the complement: RNF43 is on the minus strand). VCF-style: chr17-58415456-G-A. GRCh37 (hg19) VCF-style: chr17-56492817-G-A.
Other names: c.122C>T, p.Ser41Leu (NM_001305544.3); short protein forms S41L.
Identifiers: ClinVar variation 1720640 (VCV001720640.5), dbSNP rs1974104271, ClinGen allele CA400359885.

ClinVar aggregate classification (germline): Uncertain significance (1 of 4 stars; one submission).

Allele frequency attached by ClinVar (database versions not stated): TOPMed below 0.00001; gnomAD 0.00001.
gnomAD v4.1: 9 of 1,614,042 alleles (0.00056%); highest among the groups gnomAD compares: African/African-American, 0.0013%; no homozygotes.

Submission:

Labcorp Genetics (formerly Invitae), Labcorp
Classification: Uncertain significance. Last evaluated: 2022-09-29. Review status: criteria provided, single submitter. Criteria: Invitae Variant Classification Sherloc (09022015). Collection method: clinical testing. Allele origin: germline.
Comment: In summary, the available evidence is currently insufficient to determine the role of this variant in disease. Therefore, it has been classified as a Variant of Uncertain Significance. Algorithms developed to predict the effect of missense changes on protein structure and function are either unavailable or do not agree on the potential impact of this missense change (SIFT: "Deleterious"; PolyPhen-2: "Benign"; Align-GVGD: "Class C0"). This variant has not been reported in the literature in individuals affected with RNF43-related conditions. This variant is not present in population databases (gnomAD no frequency). This sequence change replaces serine, which is neutral and polar, with leucine, which is neutral and non-polar, at codon 41 of the RNF43 protein (p.Ser41Leu).